The following is an entry in ClinVar:

NR_001566.3(TERC):n.52_86del35

Genes: TERC (telomerase RNA component; minus strand), LOC110806306 (telomerase RNA component (TERC) promoter; plus strand). Cytogenetic location: 3q26.2.
Variant type: Deletion.
Genome position: GRCh38: chr3:169,764,975-169,765,009. GRCh37 (hg19): chr3:169,482,763-169,482,797.
Other names: NR_001566.1:r.53_87del35.
Identifiers: ClinVar variation 39299 (VCV000039299.3), dbSNP rs199422264, ClinGen allele CA343770.
Genomic context (GRCh38, chr3:169,764,973, plus strand): 5'-GAAGGCGGCAGGCCGAGGCTTTTCCGCCCGCTGAAAGTCAGCGAGAAAAACAGCGCGCGG[GGAGCAAAAGCACGGCGCCTACGCCCTTCTCAGTTA>G]GGGTTAGACAAAAAATGGCCACCACCCCTCCCAGGCCCACCCTCCGCAACCCGGTGCGCT-3'

ClinVar aggregate classification (germline): Pathogenic (0 of 4 stars; one submission).

Conditions:
Dyskeratosis congenita, autosomal dominant 1 (DKCA1). Also called: Dyskeratosis congenita Scoggins type. Identifiers: Orphanet 1775, MedGen C4551974, MONDO:0007485, OMIM 127550. Inheritance: Variable.

Submission:

GeneReviews
Classification: Pathogenic for Dyskeratosis Congenita. Last evaluated: 2012-05-10. Review status: no assertion criteria provided. Collection method: curation. Allele origin: unknown.
ClinVar note: Converted during submission from pathologic to Pathogenic.